The following is an entry in ClinVar:

NM_014639.4(SKIC3):c.3932-1G>T

Gene: SKIC3 (SKI3 subunit of superkiller complex; minus strand). Cytogenetic location: 5q15.
Variant type: single nucleotide variant.
Coding change: c.3932-1G>T on transcript NM_014639.4 (MANE Select); the canonical splice acceptor site of the intron before coding-DNA position 3932, G replaced by T.
Molecular consequence: splice acceptor variant.
Genome position (GRCh38, 1-based): chr5:95,484,846, C>A on the plus strand (G>T on the coding strand, the complement: SKIC3 is on the minus strand). VCF-style: chr5-95484846-C-A. GRCh37 (hg19) VCF-style: chr5-94820550-C-A.
Identifiers: ClinVar variation 2759281 (VCV002759281.3), dbSNP rs766415575, ClinGen allele CA360445745.
Genomic context (GRCh38, chr5:95,484,846, plus strand): 5'-GTGAGAGAGACCACTTTTCAAGGGACTGGTTGTAATTTTCAAAGAATTTTTCGTCTTTAA[C>A]TGTAAACAAAAAATGTCAATGTTACTTTCTTCTGCAATTTATAATGTGTTCTTAGAGGAG-3'

ClinVar aggregate classification (germline): Likely pathogenic (1 of 4 stars; one submission).

Submission:

Labcorp Genetics (formerly Invitae), Labcorp
Classification: Likely pathogenic. Last evaluated: 2023-09-09. Review status: criteria provided, single submitter. Criteria: Invitae Variant Classification Sherloc (09022015). Collection method: clinical testing. Allele origin: germline.
Comment: In summary, the currently available evidence indicates that the variant is pathogenic, but additional data are needed to prove that conclusively. Therefore, this variant has been classified as Likely Pathogenic. This sequence change affects an acceptor splice site in intron 37 of the TTC37 gene. It is expected to disrupt RNA splicing. Variants that disrupt the donor or acceptor splice site typically lead to a loss of protein function (PMID: 16199547), and loss-of-function variants in TTC37 are known to be pathogenic (PMID: 20176027, 21120949). Algorithms developed to predict the effect of sequence changes on RNA splicing suggest that this variant may disrupt the consensus splice site. This variant has not been reported in the literature in individuals affected with TTC37-related conditions. This variant is not present in population databases (gnomAD no frequency).

Literature cited by the submitters: PubMed 16199547; PubMed 20176027; PubMed 21120949.